The following is an entry in ClinVar:

ClinVar aggregate classification (germline): Uncertain significance. Review status: criteria provided, multiple submitters, no conflicts (2 of 4 stars). 2 submissions from 2 submitters: Uncertain significance (2). Last evaluated 2024-10-03.

Allele frequency attached by ClinVar (database versions not stated): gnomAD exomes below 0.00001 and 0.00001.
gnomAD v4.1: 5 of 1,614,200 alleles (0.00031%); highest among the groups gnomAD compares: Non-Finnish European, 0.00042%; no homozygotes.

Submissions (2):

Ambry Genetics
Classification: Uncertain significance. Last evaluated: 2024-10-03. Review status: criteria provided, single submitter. Criteria: Ambry Variant Classification Scheme 2023. Collection method: clinical testing. Allele origin: germline.

Labcorp Genetics (formerly Invitae), Labcorp
Classification: Uncertain significance. Last evaluated: 2024-09-04. Review status: criteria provided, single submitter. Criteria: Invitae Variant Classification Sherloc (09022015). Collection method: clinical testing. Allele origin: germline.
Comment: This sequence change replaces aspartic acid, which is acidic and polar, with tyrosine, which is neutral and polar, at codon 383 of the ELP1 protein (p.Asp383Tyr). This variant is present in population databases (no rsID available, gnomAD 0.0009%). This variant has not been reported in the literature in individuals affected with ELP1-related conditions. ClinVar contains an entry for this variant (Variation ID: 1367396). Invitae Evidence Modeling of protein sequence and biophysical properties (such as structural, functional, and spatial information, amino acid conservation, physicochemical variation, residue mobility, and thermodynamic stability) indicates that this missense variant is not expected to disrupt ELP1 protein function with a negative predictive value of 80%. In summary, the available evidence is currently insufficient to determine the role of this variant in disease. Therefore, it has been classified as a Variant of Uncertain Significance.

NM_003640.5(ELP1):c.1147G>T (p.Asp383Tyr)

Gene: ELP1 (elongator acetyltransferase complex subunit 1; minus strand). Cytogenetic location: 9q31.3.
Variant type: single nucleotide variant.
Coding change: c.1147G>T on transcript NM_003640.5 (MANE Select); coding-DNA position 1147, G replaced by T.
Protein change: p.Asp383Tyr; replaces aspartic acid 383 with tyrosine.
Molecular consequence: missense variant.
Genome position (GRCh38, 1-based): chr9:108,912,306, C>A on the plus strand (G>T on the coding strand, the complement: ELP1 is on the minus strand). VCF-style: chr9-108912306-C-A. GRCh37 (hg19) VCF-style: chr9-111674586-C-A.
Other names: c.805G>T, p.Asp269Tyr (NM_001318360.2); c.100G>T, p.Asp34Tyr (NM_001330749.2); c.1147G>T (NM_003640.3); short protein forms D269Y, D383Y, D34Y.
Identifiers: ClinVar variation 1367396 (VCV001367396.7), dbSNP rs1254770684, ClinGen allele CA374429322.